The following is an entry in ClinVar:

ClinVar aggregate classification (germline): Uncertain significance (1 of 4 stars; one submission).

Conditions:
Breast-ovarian cancer, familial, susceptibility to, 1 (BROVCA1). Also called: BRCA1 Hereditary Breast and Ovarian Cancer; OVARIAN CANCER, SUSCEPTIBILITY TO. Identifiers: Orphanet 145, MedGen C2676676, MONDO:0011450, OMIM 604370. Disease mechanism: loss of function.

gnomAD v4.1: 2 of 1,613,344 alleles (0.00012%); highest among the groups gnomAD compares: South Asian, 0.0022%; no homozygotes.

Submission:

Institute of Immunology and Genetics Kaiserslautern
Classification: Uncertain significance for Breast-ovarian cancer, familial, susceptibility to, 1. Last evaluated: 2025-07-31. Review status: criteria provided, single submitter. Criteria: ACMG Guidelines, 2015. Collection method: clinical testing. Allele origin: germline. Affected: yes.
Comment: ACMG Criteria: PM2_P; Variant was found in heterozygous state.

NM_007294.4(BRCA1):c.298G>C (p.Glu100Gln)

Gene: BRCA1 (BRCA1 DNA repair associated; minus strand). Cytogenetic location: 17q21.31.
Variant type: single nucleotide variant.
Coding change: c.298G>C on transcript NM_007294.4 (MANE Select); coding-DNA position 298, G replaced by C.
Protein change: p.Glu100Gln; replaces glutamic acid 100 with glutamine.
Molecular consequence: missense variant. On other transcripts: 5 prime UTR variant (7), intron variant (5).
Genome position (GRCh38, 1-based): chr17:43,104,871, C>G on the plus strand (G>C on the coding strand, the complement: BRCA1 is on the minus strand). VCF-style: chr17-43104871-C-G. GRCh37 (hg19) VCF-style: chr17-41256888-C-G.
Other names: c.298G>C, p.Glu100Gln (NM_001408396.1, NM_001408397.1, NM_001408398.1 and 164 more transcripts); c.220G>C, p.Glu74Gln (NM_001407656.1, NM_001407657.1, NM_001407658.1 and 21 more transcripts); c.157G>C, p.Glu53Gln (NM_001407695.1, NM_001407696.1, NM_001407697.1 and 99 more transcripts); c.88G>C, p.Glu30Gln (NM_001407853.1, NM_001407879.1, NM_001407881.1 and 58 more transcripts); c.-84G>C (NM_001407960.1, NM_001407962.1, NM_001407963.1 and 4 more transcripts); c.166G>C, p.Glu56Gln (NM_001408451.1); c.-218-10011G>C (NM_001407967.1, NM_001407966.1); c.292+6G>C (NM_001408408.1, NM_001407647.1, NM_001407646.1); short protein forms E100Q, E30Q, E53Q, E56Q, E74Q.
Identifiers: ClinVar variation 4279061 (VCV004279061.1).